The following is an entry in ClinVar:

ClinVar aggregate classification (germline): Likely benign. Review status: criteria provided, multiple submitters, no conflicts (2 of 4 stars). 4 submissions from 4 submitters: Likely benign (4). Last evaluated 2026-09-21.

Conditions:
Familial thoracic aortic aneurysm and aortic dissection (TAAD). Also called: Thoracic aortic aneurysms and dissections. Identifiers: Orphanet 91387, MedGen C4707243, MONDO:0019625.
Ehlers-Danlos syndrome, type 4 (EDSVASC). Also called: Ehlers-Danlos syndrome vascular type; Ehlers Danlos syndrome, ecchymotic type; Ehlers Danlos syndrome, arterial type; Ehlers Danlos syndrome, Sack-Barabas type; Ehlers-Danlos Syndrome Type IV. Identifiers: Orphanet 286, MedGen C0268338, MONDO:0017314, OMIM 130050.

Allele frequency attached by ClinVar (database versions not stated): gnomAD 0.00002 and 0.00003; TOPMed 0.00002.
gnomAD v4.1: 12 of 1,613,506 alleles (0.00074%); highest among the groups gnomAD compares: African/African-American, 0.0067%; no homozygotes.

Submissions (4):

Molecular Diagnostic Laboratory for Inherited Cardiovascular Disease, Montreal Heart Institute
Classification: Likely benign. Last evaluated: 2026-09-21. Review status: criteria provided, single submitter. Criteria: ACMG Guidelines, 2015. Collection method: clinical testing. Allele origin: germline. Affected: no.

All of Us Research Program, National Institutes of Health
Classification: Likely benign for Ehlers-Danlos syndrome, type 4. Last evaluated: 2024-01-11. Review status: criteria provided, single submitter. Criteria: ACMG Guidelines, 2015. Collection method: clinical testing. Allele origin: germline. Inheritance: Autosomal dominant inheritance. Observed: 3 variant alleles, 2 heterozygotes, 1 homozygote.
Comment: This study involves interpretation of variants in research participants for the purpose of population health screening. Participant phenotype was not available at the time of variant classification. Additional details can be found in publication PMID: 35346344, PMCID: PMC8962531

Labcorp Genetics (formerly Invitae), Labcorp
Classification: Likely benign for Ehlers-Danlos syndrome, type 4. Last evaluated: 2022-08-23. Review status: criteria provided, single submitter. Criteria: Invitae Variant Classification Sherloc (09022015). Collection method: clinical testing. Allele origin: germline.

Color Diagnostics, LLC DBA Color Health
Classification: Likely benign for Familial thoracic aortic aneurysm and aortic dissection. Last evaluated: 2021-03-02. Review status: criteria provided, single submitter. Criteria: ACMG Guidelines, 2015. Collection method: clinical testing. Allele origin: germline.

NM_000090.4(COL3A1):c.708C>T (p.Pro236=)

Gene: COL3A1 (collagen type III alpha 1 chain; plus strand). Cytogenetic location: 2q32.2.
Variant type: single nucleotide variant.
Coding change: c.708C>T on transcript NM_000090.4 (MANE Select); coding-DNA position 708, C replaced by T.
Protein change: p.Pro236=; no amino-acid change (proline 236 retained).
Molecular consequence: synonymous variant.
Genome position (GRCh38, 1-based): chr2:188,990,113, C>T. VCF-style: chr2-188990113-C-T. GRCh37 (hg19) VCF-style: chr2-189854839-C-T.
Identifiers: ClinVar variation 700733 (VCV000700733.13), dbSNP rs775390389, ClinGen allele CA430309043.
Genomic context (GRCh38, chr2:188,990,113, plus strand): 5'-TCTCATACATGAGCACCTACGTATTCTTTATTTCTCTACCTAGGGAGAATCAGGTAGACC[C>T]GGACGACCTGGAGAGCGAGGATTGCCTGGACCTCCAGTGAGTCTTCAGCATCTAATAAAT-3'
Protein context (NP_000081.2, residues 226-246): PAGKDGESGR[Pro236=]GRPGERGLPG